The following is an entry in ClinVar:

NM_017636.4(TRPM4):c.2934T>C (p.Ile978=)

Gene: TRPM4 (transient receptor potential cation channel subfamily M member 4; plus strand). Cytogenetic location: 19q13.33.
Variant type: single nucleotide variant.
Coding change: c.2934T>C on transcript NM_017636.4 (MANE Select); coding-DNA position 2934, T replaced by C.
Protein change: p.Ile978=; no amino-acid change (isoleucine 978 retained).
Molecular consequence: synonymous variant.
Genome position (GRCh38, 1-based): chr19:49,200,766, T>C. VCF-style: chr19-49200766-T-C. GRCh37 (hg19) VCF-style: chr19-49704023-T-C.
Other names: c.2499T>C, p.Ile833= (NM_001195227.2); c.2589T>C, p.Ile863= (NM_001321281.2); c.1326T>C, p.Ile442= (NM_001321282.2); c.2412T>C, p.Ile804= (NM_001321283.2); c.1872T>C, p.Ile624= (NM_001321285.2).
Identifiers: ClinVar variation 264108 (VCV000264108.26), dbSNP rs35516880, ClinGen allele CA9569710.

ClinVar aggregate classification (germline): Benign/Likely benign. Review status: criteria provided, multiple submitters, no conflicts (2 of 4 stars). 9 submissions from 9 submitters: Benign (5); Likely benign (2). 2 of the submissions do not count toward it. Last evaluated 2026-02-03.

Conditions:
Progressive familial heart block type IB (PFHB1B). Identifiers: Orphanet 871, MedGen C1970298, MONDO:0011474, OMIM 604559.
Cardiovascular phenotype. Identifiers: MedGen CN230736.

Allele frequency attached by ClinVar (database versions not stated): gnomAD 0.02629 and 0.02447; TOPMed 0.02780; 1000 Genomes Project 30x 0.02842; gnomAD exomes 0.00266 and 0.00641; ExAC 0.00764; 1000 Genomes Project 0.02556; ESP Exome Variant Server 0.02583.
gnomAD v4.1: 7,777 of 1,614,002 alleles (0.48%); highest among the groups gnomAD compares: African/African-American, 8.5%; 294 homozygotes.

Submissions (9):

Labcorp Genetics (formerly Invitae), Labcorp
Classification: Benign for Progressive familial heart block type IB. Last evaluated: 2026-02-03. Review status: criteria provided, single submitter. Criteria: Invitae Variant Classification Sherloc (09022015). Collection method: clinical testing. Allele origin: germline.

Molecular Diagnostic Laboratory for Inherited Cardiovascular Disease, Montreal Heart Institute
Classification: Benign. Last evaluated: 2025-04-09. Review status: criteria provided, single submitter. Criteria: ACMG Guidelines, 2015. Collection method: clinical testing. Allele origin: germline. Affected: no.

Women's Health and Genetics/Laboratory Corporation of America, LabCorp
Classification: Benign. Last evaluated: 2024-04-08. Review status: criteria provided, single submitter. Criteria: LabCorp Variant Classification Summary - May 2015. Collection method: clinical testing. Allele origin: germline.

Illumina Laboratory Services, Illumina
Classification: Likely benign for Progressive familial heart block type IB. Last evaluated: 2018-01-13. Review status: criteria provided, single submitter. Criteria: ICSL Variant Classification Criteria 13 December 2019. Collection method: clinical testing. Allele origin: germline.
Comment: This variant was observed in the ICSL laboratory as part of a predisposition screen in an ostensibly healthy population. It had not been previously curated by ICSL or reported in the Human Gene Mutation Database (HGMD: prior to June 1st, 2018), and was therefore a candidate for classification through an automated scoring system. Utilizing variant allele frequency, disease prevalence and penetrance estimates, and inheritance mode, an automated score was calculated to assess if this variant is too frequent to cause the disease. Based on the score and internal cut-off values, a variant classified as likely benign is not then subjected to further curation. The score for this variant resulted in a classification of likely benign for this disease.

GeneDx
Classification: Benign. Last evaluated: 2016-10-10. Review status: criteria provided, single submitter. Criteria: GeneDx Variant Classification (06012015). Collection method: clinical testing. Allele origin: germline. Affected: yes.
Comment: This variant is considered likely benign or benign based on one or more of the following criteria: it is a conservative change, it occurs at a poorly conserved position in the protein, it is predicted to be benign by multiple in silico algorithms, and/or has population frequency not consistent with disease.

Ambry Genetics
Classification: Benign for Cardiovascular phenotype. Last evaluated: 2015-06-26. Review status: criteria provided, single submitter. Criteria: Ambry Variant Classification Scheme 2023. Collection method: clinical testing. Allele origin: germline.

Breakthrough Genomics
Classification: Likely benign. Review status: criteria provided, single submitter. Criteria: ACMG Guidelines, 2015. Collection method: not provided. Allele origin: germline. Inheritance: Autosomal dominant inheritance. Affected: yes.

Clinical Genetics, Academic Medical Center
Classification: Benign. Review status: no assertion criteria provided. Collection method: clinical testing. Allele origin: germline. Affected: yes. Study: VKGL Data-share Consensus. Not counted in ClinVar's aggregate classification.

Joint Genome Diagnostic Labs from Nijmegen and Maastricht, Radboudumc and MUMC+
Classification: Benign. Review status: no assertion criteria provided. Collection method: clinical testing. Allele origin: germline. Affected: yes. Study: VKGL Data-share Consensus. Not counted in ClinVar's aggregate classification.